The following is an entry in ClinVar:

ClinVar aggregate classification (germline): Uncertain significance (1 of 4 stars; one submission).

Conditions:
Hereditary cancer-predisposing syndrome. Also called: Tumor predisposition; Hereditary neoplastic syndrome; Neoplastic Syndromes, Hereditary; Hereditary Cancer Syndrome. Identifiers: Orphanet 140162, MedGen C0027672, MeSH D009386, MONDO:0015356.

Submission:

Ambry Genetics
Classification: Uncertain significance for Hereditary cancer-predisposing syndrome. Last evaluated: 2025-04-15. Review status: criteria provided, single submitter. Criteria: Ambry Variant Classification Scheme 2023. Collection method: clinical testing. Allele origin: germline.
Comment: The p.S551I variant (also known as c.1652G>T), located in coding exon 9 of the BRCA1 gene, results from a G to T substitution at nucleotide position 1652. The serine at codon 551 is replaced by isoleucine, an amino acid with dissimilar properties. This amino acid position is poorly conserved in available vertebrate species. In addition, the in silico prediction for this alteration is inconclusive. Based on the available evidence, the clinical significance of this variant remains unclear.

NM_007294.4(BRCA1):c.1652G>T (p.Ser551Ile)

Gene: BRCA1 (BRCA1 DNA repair associated; minus strand). Cytogenetic location: 17q21.31.
Variant type: single nucleotide variant.
Coding change: c.1652G>T on transcript NM_007294.4 (MANE Select); coding-DNA position 1652, G replaced by T.
Protein change: p.Ser551Ile; replaces serine 551 with isoleucine.
Molecular consequence: missense variant. On other transcripts: intron variant (137).
Genome position (GRCh38, 1-based): chr17:43,093,879, C>A on the plus strand (G>T on the coding strand, the complement: BRCA1 is on the minus strand). VCF-style: chr17-43093879-C-A. GRCh37 (hg19) VCF-style: chr17-41245896-C-A.
Other names: c.1649G>T, p.Ser550Ile (NM_001407631.1, NM_001407632.1, NM_001407633.1 and 22 more transcripts); c.1439G>T, p.Ser480Ile (NM_001407918.1, NM_001407899.1, NM_001407915.1 and 9 more transcripts); c.1529G>T, p.Ser510Ile (NM_001407919.1, NM_001407648.1, NM_001407669.1 and 19 more transcripts); c.1388G>T, p.Ser463Ile (NM_001407922.1, NM_001407920.1, NM_001407923.1 and 9 more transcripts); c.1316G>T, p.Ser439Ile (NM_001407954.1, NM_001407955.1, NM_001407956.1 and 1 more transcripts); c.1526G>T, p.Ser509Ile (NM_001407649.1, NM_001407670.1, NM_001407671.1 and 11 more transcripts); c.1652G>T, p.Ser551Ile (NM_001407652.1, NM_001407605.1, NM_001407616.1 and 30 more transcripts); c.1574G>T, p.Ser525Ile (NM_001407653.1, NM_001407654.1, NM_001407655.1 and 4 more transcripts); and 40 more; short protein forms S423I, S440I, S484I, S510I, S524I, S525I, S550I, S383I.
Identifiers: ClinVar variation 3992591 (VCV003992591.1).